The following is an entry in ClinVar:

ClinVar aggregate classification (germline): Likely benign. Review status: criteria provided, multiple submitters, no conflicts (2 of 4 stars). 4 submissions from 4 submitters: Likely benign (4). Last evaluated 2025-10-17.

Conditions:
Early-infantile DEE. Also called: Early infantile epileptic encephalopathy; Ohtahara syndrome; Early infantile epileptic encephalopathy with suppression bursts. Identifiers: Orphanet 1934, MedGen C0393706, MONDO:0800491.

Allele frequency attached by ClinVar (database versions not stated): gnomAD exomes below 0.00001 and 0.00002; TOPMed 0.00002; ExAC 0.00003; gnomAD 0.00004 and 0.00005; ESP Exome Variant Server 0.00008; 1000 Genomes Project 30x 0.00031; 1000 Genomes Project 0.00040.
gnomAD v4.1: 15 of 1,614,010 alleles (0.00093%); highest among the groups gnomAD compares: African/African-American, 0.019%; no homozygotes.

Submissions (4):

Labcorp Genetics (formerly Invitae), Labcorp
Classification: Likely benign for Early-infantile DEE. Last evaluated: 2025-10-17. Review status: criteria provided, single submitter. Criteria: Invitae Variant Classification Sherloc (09022015). Collection method: clinical testing. Allele origin: germline.

CeGaT Center for Human Genetics Tuebingen
Classification: Likely benign. Last evaluated: 2025-09-01. Review status: criteria provided, single submitter. Criteria: CeGaT Center For Human Genetics Tuebingen Variant Classification Criteria Version 2. Collection method: clinical testing. Allele origin: germline. Affected: yes. Observed: 1 variant allele.
Comment: SCN8A: BP4, BP7

Blueprint Genetics
Classification: Likely benign. Last evaluated: 2024-11-14. Review status: criteria provided, single submitter. Criteria: ACMG Guidelines, 2015. Collection method: clinical testing. Allele origin: germline.

GeneDx
Classification: Likely benign. Last evaluated: 2016-02-12. Review status: criteria provided, single submitter. Criteria: GeneDx Variant Classification (06012015). Collection method: clinical testing. Allele origin: germline. Affected: yes.
Comment: This variant is considered likely benign or benign based on one or more of the following criteria: it is a conservative change, it occurs at a poorly conserved position in the protein, it is predicted to be benign by multiple in silico algorithms, and/or has population frequency not consistent with disease.

NM_001330260.2(SCN8A):c.744G>A (p.Val248=)

Gene: SCN8A (sodium voltage-gated channel alpha subunit 8; plus strand). Cytogenetic location: 12q13.13.
Variant type: single nucleotide variant.
Coding change: c.744G>A on transcript NM_001330260.2 (MANE Select); coding-DNA position 744, G replaced by A.
Protein change: p.Val248=; no amino-acid change (valine 248 retained).
Molecular consequence: synonymous variant.
Genome position (GRCh38, 1-based): chr12:51,699,607, G>A. VCF-style: chr12-51699607-G-A. GRCh37 (hg19) VCF-style: chr12-52093391-G-A.
Other names: c.744G>A, p.Val248= (NM_001177984.3, NM_001369788.1, NM_014191.4).
Identifiers: ClinVar variation 383681 (VCV000383681.19), dbSNP rs201298141, ClinGen allele CA6571151.